The following is an entry in ClinVar:

NM_005188.4(CBL):c.455C>A (p.Thr152Asn)

Gene: CBL (Cbl proto-oncogene; plus strand). Cytogenetic location: 11q23.3.
Variant type: single nucleotide variant.
Coding change: c.455C>A on transcript NM_005188.4 (MANE Select); coding-DNA position 455, C replaced by A.
Protein change: p.Thr152Asn; replaces threonine 152 with asparagine.
Molecular consequence: missense variant.
Genome position (GRCh38, 1-based): chr11:119,271,746, C>A. VCF-style: chr11-119271746-C-A. GRCh37 (hg19) VCF-style: chr11-119142456-C-A.
Other names: short protein forms T152N.
Identifiers: ClinVar variation 2973446 (VCV002973446.3), dbSNP rs2135297006, ClinGen allele CA382907048.
Genomic context (GRCh38, chr11:119,271,746, plus strand): 5'-AATAAAAATAATTTTATGTGTTTAATTATTGCATTCTGATCATTTGTAGGCGAAACCTAA[C>A]CAAACTGTCCCTCATCTTCAGCCACATGCTGGCAGAACTAAAAGGAATCTTTCCAAGTGG-3'
Protein context (NP_005179.2, residues 142-162): EENSQPRRNL[Thr152Asn]KLSLIFSHML

ClinVar aggregate classification (germline): Uncertain significance (1 of 4 stars; one submission).

Conditions:
RASopathy. Also called: rasopathies; Noonan spectrum disorder. Identifiers: Orphanet 536391, MedGen C5555857, MONDO:0021060.

Submission:

Labcorp Genetics (formerly Invitae), Labcorp
Classification: Uncertain significance for RASopathy. Last evaluated: 2023-10-28. Review status: criteria provided, single submitter. Criteria: Invitae Variant Classification Sherloc (09022015). Collection method: clinical testing. Allele origin: germline.
Comment: This sequence change replaces threonine, which is neutral and polar, with asparagine, which is neutral and polar, at codon 152 of the CBL protein (p.Thr152Asn). This variant is not present in population databases (gnomAD no frequency). This variant has not been reported in the literature in individuals affected with CBL-related conditions. Advanced modeling of protein sequence and biophysical properties (such as structural, functional, and spatial information, amino acid conservation, physicochemical variation, residue mobility, and thermodynamic stability) has been performed at Invitae for this missense variant, however the output from this modeling did not meet the statistical confidence thresholds required to predict the impact of this variant on CBL protein function. In summary, the available evidence is currently insufficient to determine the role of this variant in disease. Therefore, it has been classified as a Variant of Uncertain Significance.